The following is an entry in ClinVar:

ClinVar aggregate classification (germline): Likely pathogenic (1 of 4 stars; one submission).

Conditions:
Developmental and epileptic encephalopathy, 2 (DEE2). Also called: CDKL5 deficiency disorder; INFANTILE SPASM SYNDROME, X-LINKED 2. Identifiers: Orphanet 1934, Orphanet 3451, Orphanet 505652, MedGen C4750718, MONDO:0010396, OMIM 300672.
Angelman syndrome-like. Identifiers: MedGen CN128785.

Submission:

Labcorp Genetics (formerly Invitae), Labcorp
Classification: Likely pathogenic for Developmental and epileptic encephalopathy, 2; Angelman syndrome-like. Last evaluated: 2024-05-01. Review status: criteria provided, single submitter. Criteria: Invitae Variant Classification Sherloc (09022015). Collection method: clinical testing. Allele origin: germline.
Comment: This sequence change replaces leucine, which is neutral and non-polar, with phenylalanine, which is neutral and non-polar, at codon 182 of the CDKL5 protein (p.Leu182Phe). This variant is not present in population databases (gnomAD no frequency). This variant has not been reported in the literature in individuals affected with CDKL5-related conditions. Advanced modeling of protein sequence and biophysical properties (such as structural, functional, and spatial information, amino acid conservation, physicochemical variation, residue mobility, and thermodynamic stability) performed at Invitae indicates that this missense variant is expected to disrupt CDKL5 protein function with a positive predictive value of 95%. This variant disrupts the p.Leu182 amino acid residue in CDKL5. Other variant(s) that disrupt this residue have been determined to be pathogenic (PMID: 23708187). This suggests that this residue is clinically significant, and that variants that disrupt this residue are likely to be disease-causing. In summary, the currently available evidence indicates that the variant is pathogenic, but additional data are needed to prove that conclusively. Therefore, this variant has been classified as Likely Pathogenic.

Literature cited by the submitters: PubMed 23708187.

NM_001323289.2(CDKL5):c.544C>T (p.Leu182Phe)

Gene: CDKL5 (cyclin dependent kinase like 5; plus strand). Cytogenetic location: Xp22.13.
Variant type: single nucleotide variant.
Coding change: c.544C>T on transcript NM_001323289.2 (MANE Select); coding-DNA position 544, C replaced by T.
Protein change: p.Leu182Phe; replaces leucine 182 with phenylalanine.
Molecular consequence: missense variant.
Genome position (GRCh38, 1-based): chrX:18,584,343, C>T. VCF-style: chrX-18584343-C-T. GRCh37 (hg19) VCF-style: chrX-18602463-C-T.
Other names: c.544C>T, p.Leu182Phe (NM_001037343.2, NM_003159.3); short protein forms L182F.
Identifiers: ClinVar variation 3753772 (VCV003753772.2).
Genomic context (GRCh38, chrX:18,584,343, plus strand): 5'-GAAGGCAATAATGCTAATTACACAGAGTACGTTGCCACCAGATGGTATCGGTCCCCAGAA[C>T]TCTTACTTGGGTGAGTTACCGTCCCAAAATAGAATGACATTTCCACATCTGCTGATTCTA-3'
Protein context (NP_001310218.1, residues 172-192): VATRWYRSPE[Leu182Phe]LLGAPYGKSV